The following is an entry in ClinVar:

NM_002439.5(MSH3):c.3338T>G (p.Met1113Arg)

Gene: MSH3 (mutS homolog 3; plus strand). Cytogenetic location: 5q14.1.
Variant type: single nucleotide variant.
Coding change: c.3338T>G on transcript NM_002439.5 (MANE Select); coding-DNA position 3338, T replaced by G.
Protein change: p.Met1113Arg; replaces methionine 1113 with arginine.
Molecular consequence: missense variant.
Genome position (GRCh38, 1-based): chr5:80,875,786, T>G. VCF-style: chr5-80875786-T-G. GRCh37 (hg19) VCF-style: chr5-80171605-T-G.
Other names: short protein forms M1113R.
Identifiers: ClinVar variation 846407 (VCV000846407.15), dbSNP rs747331232, ClinGen allele CA360347343.
Genomic context (GRCh38, chr5:80,875,786, plus strand): 5'-TAAGTAGTATTTGATTTTTCCCCAGAAAGAGACTCAAGTATTTTGCAAAGTTATGGACGA[T>G]GCATAATGCACAAGACCTGCAGAAGTGGACAGAGGAGTTCAACATGGAAGAAACACAGAC-3'
Protein context (NP_002430.3, residues 1103-1123): RLKYFAKLWT[Met1113Arg]HNAQDLQKWT

ClinVar aggregate classification (germline): Uncertain significance. Review status: criteria provided, multiple submitters, no conflicts (2 of 4 stars). 3 submissions from 3 submitters: Uncertain significance (3). Last evaluated 2025-07-30.

Conditions:
Hereditary cancer-predisposing syndrome. Also called: Tumor predisposition; Hereditary neoplastic syndrome; Neoplastic Syndromes, Hereditary; Hereditary Cancer Syndrome. Identifiers: Orphanet 140162, MedGen C0027672, MeSH D009386, MONDO:0015356.

Submissions (3):

Labcorp Genetics (formerly Invitae), Labcorp
Classification: Uncertain significance. Last evaluated: 2025-07-30. Review status: criteria provided, single submitter. Criteria: Invitae Variant Classification Sherloc (09022015). Collection method: clinical testing. Allele origin: germline.
Comment: This sequence change replaces methionine, which is neutral and non-polar, with arginine, which is basic and polar, at codon 1113 of the MSH3 protein (p.Met1113Arg). This variant is not present in population databases (gnomAD no frequency). This variant has not been reported in the literature in individuals affected with MSH3-related conditions. ClinVar contains an entry for this variant (Variation ID: 846407). An algorithm developed to predict the effect of missense changes on protein structure and function (PolyPhen-2) suggests that this variant is likely to be tolerated. In summary, the available evidence is currently insufficient to determine the role of this variant in disease. Therefore, it has been classified as a Variant of Uncertain Significance.

Center for Genomic Medicine, Rigshospitalet, Copenhagen University Hospital
Classification: Uncertain significance. Last evaluated: 2025-03-04. Review status: criteria provided, single submitter. Criteria: ACMG Guidelines, 2015. Collection method: clinical testing. Allele origin: germline.

Ambry Genetics
Classification: Uncertain significance for Hereditary cancer-predisposing syndrome. Last evaluated: 2024-05-14. Review status: criteria provided, single submitter. Criteria: Ambry Variant Classification Scheme 2023. Collection method: clinical testing. Allele origin: germline.
Comment: The p.M1113R variant (also known as c.3338T>G), located in coding exon 24 of the MSH3 gene, results from a T to G substitution at nucleotide position 3338. The methionine at codon 1113 is replaced by arginine, an amino acid with similar properties. This amino acid position is poorly conserved in available vertebrate species. In addition, this alteration is predicted to be tolerated by in silico analysis. Based on the available evidence, the clinical significance of this variant remains unclear.